The following is an entry in ClinVar:

NM_001772.4(CD33):c.924+2T>C

Gene: CD33 (CD33 molecule; plus strand). Cytogenetic location: 19q13.41.
Variant type: single nucleotide variant.
Coding change: c.924+2T>C on transcript NM_001772.4 (MANE Select); the canonical splice donor site of the intron after coding-DNA position 924, T replaced by C.
Molecular consequence: splice donor variant.
Genome position (GRCh38, 1-based): chr19:51,235,678, T>C. VCF-style: chr19-51235678-T-C. GRCh37 (hg19) VCF-style: chr19-51738933-T-C.
Other names: c.924+2T>C (NM_001772.3, NM_001177608.2); c.543+2T>C (NM_001082618.2).
Identifiers: ClinVar variation 1164474 (VCV001164474.12), dbSNP rs273621, ClinGen allele CA9609817.
Genomic context (GRCh38, chr19:51,235,678, plus strand): 5'-CAGCCAGGACAGCAGTGGGCAGGAATGACACCCACCCTACCACAGGGTCAGCCTCCCCGG[T>C]GAGTGATGGGGCATCCTGGCATCCAGTCTGTCCTGCAGACACCTCCTCCCAATGTGGCCC-3'

ClinVar aggregate classification (germline): Benign. Review status: criteria provided, multiple submitters, no conflicts (2 of 4 stars). 3 submissions from 3 submitters: Benign (2). 1 of the submissions does not count toward it. Last evaluated 2023-03-30.

Conditions:
CD33-related disorder. Also called: CD33-related condition.

Allele frequency attached by ClinVar (database versions not stated): gnomAD exomes 0.00067 and 0.00135; ExAC 0.00215; gnomAD 0.00491 and 0.00512; ESP Exome Variant Server 0.00500; TOPMed 0.00539; 1000 Genomes Project 30x 0.00625; 1000 Genomes Project 0.00639.
gnomAD v4.1: 1,780 of 1,611,696 alleles (0.11%); highest among the groups gnomAD compares: African/African-American, 1.5%; 18 homozygotes.

Submissions (16):

Labcorp Genetics (formerly Invitae), Labcorp
Classification: Benign. Last evaluated: 2023-03-30. Review status: criteria provided, single submitter. Criteria: Invitae Variant Classification Sherloc (09022015). Collection method: clinical testing. Allele origin: germline.

Breakthrough Genomics
Classification: Benign. Review status: criteria provided, single submitter. Criteria: ACMG Guidelines, 2015. Collection method: not provided. Allele origin: germline. Inheritance: Unknown mechanism. Affected: yes.

PreventionGenetics, part of Exact Sciences
Classification: Likely benign for CD33-related condition. Last evaluated: 2024-05-31. Review status: no assertion criteria provided. Collection method: clinical testing. Allele origin: germline. Not counted in ClinVar's aggregate classification.
Comment: This variant is classified as likely benign based on ACMG/AMP sequence variant interpretation guidelines (Richards et al. 2015 PMID: 25741868, with internal and published modifications).

Dr. Peter K. Rogan Lab, Western University
No classification provided (evidence only). Condition: Melanoma. Review status: no classification provided. Collection method: in vitro. Allele origin: not applicable. Functional consequence: skipped exon, retained intron. Not counted in ClinVar's aggregate classification.

Dr. Peter K. Rogan Lab, Western University
No classification provided (evidence only). Condition: Melanoma. Review status: no classification provided. Collection method: in vitro. Allele origin: not applicable. Functional consequence: skipped exon. Not counted in ClinVar's aggregate classification.

Dr. Peter K. Rogan Lab, Western University
No classification provided (evidence only). Condition: Acute myeloid leukemia. Review status: no classification provided. Collection method: in vitro. Allele origin: not applicable. Functional consequence: skipped exon, retained intron. Not counted in ClinVar's aggregate classification.

Dr. Peter K. Rogan Lab, Western University
No classification provided (evidence only). Condition: Thyroid cancer, nonmedullary, 1. Review status: no classification provided. Collection method: in vitro. Allele origin: not applicable. Functional consequence: skipped exon. Not counted in ClinVar's aggregate classification.

Dr. Peter K. Rogan Lab, Western University
No classification provided (evidence only). Condition: Uterine corpus endometrial carcinoma. Review status: no classification provided. Collection method: in vitro. Allele origin: not applicable. Functional consequence: skipped exon, retained intron. Not counted in ClinVar's aggregate classification.

Dr. Peter K. Rogan Lab, Western University
No classification provided (evidence only). Condition: Uterine corpus endometrial carcinoma. Review status: no classification provided. Collection method: in vitro. Allele origin: not applicable. Functional consequence: skipped exon, retained intron. Not counted in ClinVar's aggregate classification.

Dr. Peter K. Rogan Lab, Western University
No classification provided (evidence only). Condition: Uterine corpus endometrial carcinoma. Review status: no classification provided. Collection method: in vitro. Allele origin: not applicable. Functional consequence: skipped exon. Not counted in ClinVar's aggregate classification.

Dr. Peter K. Rogan Lab, Western University
No classification provided (evidence only). Condition: Cervical cancer. Review status: no classification provided. Collection method: in vitro. Allele origin: not applicable. Functional consequence: skipped exon, retained intron. Not counted in ClinVar's aggregate classification.

Dr. Peter K. Rogan Lab, Western University
No classification provided (evidence only). Condition: Cervical cancer. Review status: no classification provided. Collection method: in vitro. Allele origin: not applicable. Functional consequence: skipped exon. Not counted in ClinVar's aggregate classification.

Dr. Peter K. Rogan Lab, Western University
No classification provided (evidence only). Condition: Sarcoma. Review status: no classification provided. Collection method: in vitro. Allele origin: not applicable. Functional consequence: skipped exon, retained intron. Not counted in ClinVar's aggregate classification.

Dr. Peter K. Rogan Lab, Western University
No classification provided (evidence only). Condition: Sarcoma. Review status: no classification provided. Collection method: in vitro. Allele origin: not applicable. Functional consequence: skipped exon, retained intron. Not counted in ClinVar's aggregate classification.

Dr. Peter K. Rogan Lab, Western University
No classification provided (evidence only). Condition: Gastric cancer. Review status: no classification provided. Collection method: in vitro. Allele origin: not applicable. Functional consequence: retained intron. Not counted in ClinVar's aggregate classification.

Dr. Peter K. Rogan Lab, Western University
No classification provided (evidence only). Condition: Malignant tumor of esophagus. Review status: no classification provided. Collection method: in vitro. Allele origin: not applicable. Functional consequence: skipped exon. Not counted in ClinVar's aggregate classification.